The following is an entry in ClinVar:

ClinVar aggregate classification (germline): Uncertain significance (1 of 4 stars; one submission).

gnomAD v4.1: 1 of 1,614,194 alleles (0.000062%); highest among the groups gnomAD compares: Admixed American, 0.0017%; no homozygotes.

Submission:

GeneDx
Classification: Uncertain significance. Last evaluated: 2023-11-05. Review status: criteria provided, single submitter. Criteria: GeneDx Variant Classification Process June 2021. Collection method: clinical testing. Allele origin: germline. Affected: yes.
Comment: Not observed at significant frequency in large population cohorts (gnomAD); In silico analysis supports that this missense variant does not alter protein structure/function; Has not been previously published as pathogenic or benign to our knowledge

NM_001374828.1(ARID1B):c.2549C>T (p.Ala850Val)

Gene: ARID1B (AT-rich interaction domain 1B; plus strand). Cytogenetic location: 6q25.3.
Variant type: single nucleotide variant.
Coding change: c.2549C>T on transcript NM_001374828.1 (MANE Select); coding-DNA position 2549, C replaced by T.
Protein change: p.Ala850Val; replaces alanine 850 with valine.
Molecular consequence: missense variant.
Genome position (GRCh38, 1-based): chr6:157,110,529, C>T. VCF-style: chr6-157110529-C-T. GRCh37 (hg19) VCF-style: chr6-157431663-C-T.
Other names: c.50C>T, p.Ala17Val (NM_001363725.2); c.2588C>T, p.Ala863Val (NM_001371656.1, NM_001374820.1); c.2549C>T, p.Ala850Val (NM_017519.3); c.2339C>T (NM_020732.3); short protein forms A17V, A850V, A863V.
Identifiers: ClinVar variation 3363933 (VCV003363933.1).